The following is an entry in ClinVar:

ClinVar aggregate classification (germline): Likely benign. Review status: criteria provided, multiple submitters, no conflicts (2 of 4 stars). 3 submissions from 3 submitters: Likely benign (3). Last evaluated 2024-10-23.

Conditions:
Inborn genetic diseases. Identifiers: MedGen C0950123, MeSH D030342.
Anophthalmia/microphthalmia-esophageal atresia syndrome (MCOPS3). Also called: AEG SYNDROME; MICROPHTHALMIA AND ESOPHAGEAL ATRESIA SYNDROME; SOX2 Disorder. Identifiers: Orphanet 77298, MedGen C1859773, MONDO:0008799, OMIM 206900.

Allele frequency attached by ClinVar (database versions not stated): ExAC 0.00001; gnomAD exomes 0.00003 and 0.00006; TOPMed 0.00008; gnomAD 0.00013 and 0.00014.

Submissions (3):

Labcorp Genetics (formerly Invitae), Labcorp
Classification: Likely benign for Anophthalmia/microphthalmia-esophageal atresia syndrome. Last evaluated: 2024-10-23. Review status: criteria provided, single submitter. Criteria: Invitae Variant Classification Sherloc (09022015). Collection method: clinical testing. Allele origin: germline.

Ambry Genetics
Classification: Likely benign for Inborn genetic diseases. Last evaluated: 2021-11-15. Review status: criteria provided, single submitter. Criteria: Ambry Variant Classification Scheme 2023. Collection method: clinical testing. Allele origin: germline.

GeneDx
Classification: Likely benign. Last evaluated: 2021-03-12. Review status: criteria provided, single submitter. Criteria: GeneDx Variant Classification Process June 2021. Collection method: clinical testing. Allele origin: germline. Affected: yes.
Comment: In silico analysis supports that this missense variant does not alter protein structure/function; Has not been previously published as pathogenic or benign to our knowledge

NM_003106.4(SOX2):c.869G>C (p.Ser290Thr)

Genes: SOX2-OT (SOX2 overlapping transcript; plus strand), SOX2 (SRY-box transcription factor 2; plus strand). Cytogenetic location: 3q26.33.
Variant type: single nucleotide variant.
Coding change: c.869G>C on transcript NM_003106.4 (MANE Select); coding-DNA position 869, G replaced by C.
Protein change: p.Ser290Thr; replaces serine 290 with threonine.
Molecular consequence: missense variant.
Genome position (GRCh38, 1-based): chr3:181,713,229, G>C. VCF-style: chr3-181713229-G-C. GRCh37 (hg19) VCF-style: chr3-181431017-G-C.
Other names: short protein forms S290T.
Identifiers: ClinVar variation 1201570 (VCV001201570.9), dbSNP rs779686992, ClinGen allele CA2717335.